The following is an entry in ClinVar:

NM_001040108.2(MLH3):c.1596T>C (p.Thr532=)

Gene: MLH3 (mutL homolog 3; minus strand). Cytogenetic location: 14q24.3.
Variant type: single nucleotide variant.
Coding change: c.1596T>C on transcript NM_001040108.2 (MANE Select); coding-DNA position 1596, T replaced by C.
Protein change: p.Thr532=; no amino-acid change (threonine 532 retained).
Molecular consequence: synonymous variant.
Genome position (GRCh38, 1-based): chr14:75,048,060, A>G on the plus strand (T>C on the coding strand, the complement: MLH3 is on the minus strand). VCF-style: chr14-75048060-A-G. GRCh37 (hg19) VCF-style: chr14-75514763-A-G.
Other names: c.1596T>C, p.Thr532= (NM_014381.3).
Identifiers: ClinVar variation 4826069 (VCV004826069.2).
Genomic context (GRCh38, chr14:75,048,060, plus strand): 5'-CTTTGGTTGATTCTGAATTCTATTATTTTTCAAGATGTTGGCAGCCATGCCATTAACAGT[A>G]GTACTTTCTTTCCATATTTCTAGATCCTGCCCACTCTCCTCAAAGTGACATGGTGTCTGA-3'
Protein context (NP_001035197.1, residues 522-542): GQDLEIWKES[Thr532=]TVNGMAANIL

ClinVar aggregate classification (germline): Benign/Likely benign. Review status: criteria provided, multiple submitters, no conflicts (2 of 4 stars). 2 submissions from 2 submitters: Benign (1); Likely benign (1). Last evaluated 2026-04-30.

Conditions:
Colorectal cancer, hereditary nonpolyposis, type 7. Identifiers: Orphanet 144, MedGen C1858380, MONDO:0013725, OMIM 614385.

Submissions (2):

Myriad Genetics, Inc.
Classification: Benign for Colorectal cancer, hereditary nonpolyposis, type 7. Last evaluated: 2026-04-30. Review status: criteria provided, single submitter. Criteria: Myriad Autosomal Dominant, Autosomal Recessive and X-Linked Classification Criteria (2023). Collection method: clinical testing. Allele origin: unknown.
Comment: This variant is considered benign. This variant is a silent/synonymous amino acid change and it is not expected to impact splicing.

Ambry Genetics
Classification: Likely benign. Last evaluated: 2026-03-12. Review status: criteria provided, single submitter. Criteria: Ambry Variant Classification Scheme 2023. Collection method: clinical testing. Allele origin: germline.